The following is an entry in ClinVar:

ClinVar aggregate classification (germline): Likely benign. Review status: criteria provided, multiple submitters, no conflicts (2 of 4 stars). 5 submissions from 5 submitters: Likely benign (3). 2 of the submissions do not count toward it. Last evaluated 2026-01-26.

Allele frequency attached by ClinVar (database versions not stated): 1000 Genomes Project 30x 0.00031; 1000 Genomes Project 0.00040; gnomAD exomes 0.00075 and 0.00143; TOPMed 0.00087; gnomAD 0.00092 and 0.00097; ESP Exome Variant Server 0.00116; ExAC 0.00123.
gnomAD v4.1: 2,168 of 1,593,470 alleles (0.14%); highest among the groups gnomAD compares: Non-Finnish European, 0.18%; 2 homozygotes.

Submissions (5):

Labcorp Genetics (formerly Invitae), Labcorp
Classification: Likely benign. Last evaluated: 2026-01-26. Review status: criteria provided, single submitter. Criteria: Invitae Variant Classification Sherloc (09022015). Collection method: clinical testing. Allele origin: germline.

CeGaT Center for Human Genetics Tuebingen
Classification: Likely benign. Last evaluated: 2025-10-01. Review status: criteria provided, single submitter. Criteria: CeGaT Center For Human Genetics Tuebingen Variant Classification Criteria Version 2. Collection method: clinical testing. Allele origin: germline. Affected: yes. Observed: 1 variant allele.
Comment: ARHGEF18: BP4

Blueprint Genetics
Classification: Likely benign. Last evaluated: 2024-11-25. Review status: criteria provided, single submitter. Criteria: ACMG Guidelines, 2015. Collection method: clinical testing. Allele origin: germline.

Clinical Genetics DNA and cytogenetics Diagnostics Lab, Erasmus MC, Erasmus Medical Center
Classification: Likely benign. Review status: no assertion criteria provided. Collection method: clinical testing. Allele origin: germline. Affected: yes. Study: VKGL Data-share Consensus. Not counted in ClinVar's aggregate classification.

Clinical Genetics, Academic Medical Center
Classification: Likely benign. Review status: no assertion criteria provided. Collection method: clinical testing. Allele origin: germline. Affected: yes. Study: VKGL Data-share Consensus. Not counted in ClinVar's aggregate classification.

NM_001367823.1(ARHGEF18):c.3783C>T (p.Ser1261=)

Gene: ARHGEF18 (Rho/Rac guanine nucleotide exchange factor 18; plus strand). Cytogenetic location: 19p13.2.
Variant type: single nucleotide variant.
Coding change: c.3783C>T on transcript NM_001367823.1 (MANE Select); coding-DNA position 3783, C replaced by T.
Protein change: p.Ser1261=; no amino-acid change (serine 1261 retained).
Molecular consequence: synonymous variant.
Genome position (GRCh38, 1-based): chr19:7,469,127, C>T. VCF-style: chr19-7469127-C-T. GRCh37 (hg19) VCF-style: chr19-7534013-C-T.
Other names: c.3057C>T, p.Ser1019= (NM_001130955.2); c.2745C>T, p.Ser915= (NM_001367824.1, NM_015318.4).
Identifiers: ClinVar variation 726777 (VCV000726777.21), dbSNP rs201662579, ClinGen allele CA9137237.
Genomic context (GRCh38, chr19:7,469,127, plus strand): 5'-CTCCACCAAGGGTGGCAAGGACAAGGGCGGCAAGAGCAGGGGCTCTCAGCGCTGGGAGAG[C>T]TCAGGTGAGCCGGCCCCACCCCTTCGCCTGGGCCTGGAAGGTGCAACTGGTCAGGCTCTA-3'
Protein context (NP_001354752.1, residues 1251-1271): GKSRGSQRWE[Ser1261=]SASFDLKQQL